The following is an entry in ClinVar:

ClinVar aggregate classification (germline): Uncertain significance (1 of 4 stars; one submission).

Conditions:
Hermansky-Pudlak syndrome 2 (HPS2). Also called: Platelet defects and oculocutaneous albinism. Identifiers: Orphanet 183678, Orphanet 79430, MedGen C1842362, MONDO:0011997, OMIM 608233.

Submissions (2):

Labcorp Genetics (formerly Invitae), Labcorp
Classification: Uncertain significance for Hermansky-Pudlak syndrome 2. Last evaluated: 2025-01-07. Review status: criteria provided, single submitter. Criteria: Invitae Variant Classification Sherloc (09022015). Collection method: clinical testing. Allele origin: germline.
Comment: This sequence change replaces glutamic acid, which is acidic and polar, with valine, which is neutral and non-polar, at codon 460 of the AP3B1 protein (p.Glu460Val). This variant is not present in population databases (gnomAD no frequency). This variant has not been reported in the literature in individuals affected with AP3B1-related conditions. An algorithm developed to predict the effect of missense changes on protein structure and function (PolyPhen-2) suggests that this variant is likely to be disruptive. In summary, the available evidence is currently insufficient to determine the role of this variant in disease. Therefore, it has been classified as a Variant of Uncertain Significance.

Dr. Peter K. Rogan Lab, Western University
No classification provided (evidence only). Condition: Thyroid cancer, nonmedullary, 1. Review status: no classification provided. Collection method: in vitro. Allele origin: not applicable. Functional consequence: retained intron. Not counted in ClinVar's aggregate classification.

NM_003664.5(AP3B1):c.1379A>T (p.Glu460Val)

Gene: AP3B1 (adaptor related protein complex 3 subunit beta 1; minus strand). Cytogenetic location: 5q14.1.
Variant type: single nucleotide variant.
Coding change: c.1379A>T on transcript NM_003664.5 (MANE Select); coding-DNA position 1379, A replaced by T.
Protein change: p.Glu460Val; replaces glutamic acid 460 with valine.
Molecular consequence: missense variant.
Genome position (GRCh38, 1-based): chr5:78,156,352, T>A on the plus strand (A>T on the coding strand, the complement: AP3B1 is on the minus strand). VCF-style: chr5-78156352-T-A. GRCh37 (hg19) VCF-style: chr5-77452176-T-A.
Other names: c.1232A>T, p.Glu411Val (NM_001271769.2); c.1379A>T, p.Glu460Val (NM_001410752.1); short protein forms E460V, E411V.
Identifiers: ClinVar variation 3728621 (VCV003728621.3).